The following is an entry in ClinVar:

NM_004385.5(VCAN):c.2909C>T (p.Ser970Phe)

Gene: VCAN (versican; plus strand). Cytogenetic location: 5q14.3.
Variant type: single nucleotide variant.
Coding change: c.2909C>T on transcript NM_004385.5 (MANE Select); coding-DNA position 2909, C replaced by T.
Protein change: p.Ser970Phe; replaces serine 970 with phenylalanine.
Molecular consequence: missense variant. On other transcripts: intron variant (2).
Genome position (GRCh38, 1-based): chr5:83,521,215, C>T. VCF-style: chr5-83521215-C-T. GRCh37 (hg19) VCF-style: chr5-82817034-C-T.
Other names: c.2909C>T, p.Ser970Phe (NM_001164098.2); c.1042+8819C>T (NM_001164097.2, NM_001126336.3); c.2909C>T (NM_004385.4); short protein forms S970F.
Identifiers: ClinVar variation 1078922 (VCV001078922.13), dbSNP rs150708651, ClinGen allele CA3332920.

ClinVar aggregate classification (germline): Conflicting classifications of pathogenicity. Review status: criteria provided, conflicting classifications (1 of 4 stars). 4 submissions from 4 submitters: Uncertain significance (1); Likely benign (2). 1 of the submissions does not count toward it. Last evaluated 2026-01-14.

Conditions:
Inborn genetic diseases. Identifiers: MedGen C0950123, MeSH D030342.
VCAN-related disorder. Also called: VCAN-related condition.

Allele frequency attached by ClinVar (database versions not stated): gnomAD exomes 0.00004 and 0.00010; ExAC 0.00013; 1000 Genomes Project 0.00040; 1000 Genomes Project 30x 0.00047; gnomAD 0.00053 and 0.00060; TOPMed 0.00057; ESP Exome Variant Server 0.00069.
gnomAD v4.1: 148 of 1,613,936 alleles (0.0092%); highest among the groups gnomAD compares: African/African-American, 0.19%; no homozygotes.

Submissions (4):

Labcorp Genetics (formerly Invitae), Labcorp
Classification: Likely benign. Last evaluated: 2026-01-14. Review status: criteria provided, single submitter. Criteria: Invitae Variant Classification Sherloc (09022015). Collection method: clinical testing. Allele origin: germline.

Blueprint Genetics
Classification: Likely benign. Last evaluated: 2024-02-07. Review status: criteria provided, single submitter. Criteria: ACMG Guidelines, 2015. Collection method: clinical testing. Allele origin: germline.

Ambry Genetics
Classification: Uncertain significance for Inborn genetic diseases. Last evaluated: 2023-12-19. Review status: criteria provided, single submitter. Criteria: Ambry Variant Classification Scheme 2023. Collection method: clinical testing. Allele origin: germline.

PreventionGenetics, part of Exact Sciences
Classification: Likely benign for VCAN-related condition. Last evaluated: 2023-01-31. Review status: no assertion criteria provided. Collection method: clinical testing. Allele origin: germline. Not counted in ClinVar's aggregate classification.
Comment: This variant is classified as likely benign based on ACMG/AMP sequence variant interpretation guidelines (Richards et al. 2015 PMID: 25741868, with internal and published modifications).